The following is an entry in ClinVar:

NM_000039.3(APOA1):c.388AAG[1] (p.Lys131del)

Genes: APOA1 (apolipoprotein A1; minus strand), APOA1-AS (APOA1 antisense RNA; plus strand). Cytogenetic location: 11q23.3.
Variant type: Microsatellite.
Coding change: c.388AAG[1] on transcript NM_000039.3 (MANE Select); one copy of the 3-base unit AAG starting at c.388; the reference has two copies in a row; one copy, 3 bases deleted; also written c.391_393del.
Protein change: p.Lys131del; deletes lysine 131.
Molecular consequence: inframe deletion. On other transcripts: non-coding transcript variant (1), inframe indel (3).
Genome position (GRCh38, 1-based): chr11:116,836,219-116,836,221, CTT deleted on the plus strand (AAG on the coding strand, the reverse complement: APOA1 is on the minus strand); deleting any 3 consecutive bases within chr11:116,836,219-116,836,226 gives the same sequence; the position shown is the placement nearest the transcript's 3' end. VCF-style (leftmost placement, unchanged base first): chr11-116836218-ACTT-A. GRCh37 (hg19) VCF-style: chr11-116706934-ACTT-A.
Other names: p.131_131del; p.Lys131del; c.388AAG[1], p.Lys131del (NM_001318017.2, NM_001318018.2); c.59_61AGA[1], p.Lys22del (NM_001318021.2); c.391_393delAAG (NM_000039.1, NM_000039.3); c.391_393del (NM_000039.2, NM_001318018.2, NM_000039.1 and 1 more transcripts); short protein forms K131del, K22del.
Identifiers: ClinVar variation 636899 (VCV000636899.17), dbSNP rs532489785, ClinGen allele CA6289814.

ClinVar aggregate classification (germline): Conflicting classifications of pathogenicity. Review status: criteria provided, conflicting classifications (1 of 4 stars). 9 submissions from 9 submitters: Pathogenic (1); Uncertain significance (7); Likely benign (1). Last evaluated 2025-12-09.

Conditions:
Familial visceral amyloidosis, Ostertag type (AMYLD2). Also called: Familial visceral amyloidosis; AMYLOIDOSIS, HEREDITARY SYSTEMIC 2; AMYLOIDOSIS VIII; Hereditary Renal Amyloidosis; Amyloidosis, hepatic and systemic; Ostertag type amyloidosis. Identifiers: Orphanet 85450, MedGen C0268389, MONDO:0007099, OMIM 105200.
Hypoalphalipoproteinemia, primary, 2, intermediate. Also called: HYPOALPHALIPOPROTEINEMIA, PRIMARY, 2, AUTOSOMAL DOMINANT. Identifiers: MedGen C5677030, MONDO:0859238, OMIM 619836.
Hypoalphalipoproteinemia, primary, 2. Also called: HIGH DENSITY LIPOPROTEIN DEFICIENCY; HYPOALPHALIPOPROTEINEMIA, PRIMARY, 2, AUTOSOMAL RECESSIVE. Identifiers: MedGen C5551172, MONDO:0032766, OMIM 618463.
Familial amyloid polyneuropathy, Iowa type (AMYLD3). Also called: AMYLOIDOSIS, HEREDITARY SYSTEMIC 3; AMYLOIDOSIS, IOWA TYPE; AMYLOIDOSIS, VAN ALLEN TYPE; AMYLOIDOSIS, TYPE III; AMYLOIDOSIS, TYPE IV; Familial amyloid polyneuropathy type III. Identifiers: MedGen C4551500, MONDO:0971008, OMIM 620657.
APOA1-related disorder. Also called: APOA1-related condition.
Cardiovascular phenotype. Identifiers: MedGen CN230736.
Chronic kidney disease. Identifiers: MedGen C1561643, MONDO:0005300, HP:0012622.

Submissions (9):

Labcorp Genetics (formerly Invitae), Labcorp
Classification: Uncertain significance. Last evaluated: 2025-12-09. Review status: criteria provided, single submitter. Criteria: Invitae Variant Classification Sherloc (09022015). Collection method: clinical testing. Allele origin: germline.
Comment: This variant, c.391_393del, results in the deletion of 1 amino acid(s) of the APOA1 protein (p.Lys131del), but otherwise preserves the integrity of the reading frame. This variant is present in population databases (rs532489785, gnomAD 0.04%). This variant has been observed in individual(s) with amyloidosis or reduced HDL cholesterol and cardiovascular disease (PMID: 7670941, 9464251, 23209431, 24273187, 26255038, 29150341, 30333156). This variant is also known as Lys107del, K107del, Lys107>0, ApoA-I Helsinki, or deltaK107. ClinVar contains an entry for this variant (Variation ID: 636899). Algorithms developed to predict the effect of variants on gene product structure and function are not available or were not evaluated for this variant. Experimental studies have shown that this variant affects APOA1 function (PMID: 6432779, 22952757, 23456478). In summary, the available evidence is currently insufficient to determine the role of this variant in disease. Therefore, it has been classified as a Variant of Uncertain Significance.

Women's Health and Genetics/Laboratory Corporation of America, LabCorp
Classification: Uncertain significance. Last evaluated: 2025-12-01. Review status: criteria provided, single submitter. Criteria: LabCorp Variant Classification Summary - May 2015. Collection method: clinical testing. Allele origin: germline.
Comment: Variant summary: APOA1 c.391_393delAAG (p.Lys131del) results in an in-frame deletion that is predicted to remove one amino acid from the encoded protein. The variant allele was found at a frequency of 0.00025 in 251448 control chromosomes. The observed variant frequency exceeds the estimated maximal expected allele frequency for disease-causing variants in APOA1. c.391_393delAAG has been observed in individual(s) affected with premature coronary heart disease, low/median HDL-C levels, or dyslipidemia and related metabolic traits (e.g. Tilly-Kiesi_ATVB, Haase_2012, Sadananda_2015, Dron_2020). These report(s) do not provide unequivocal conclusions about association of the variant with Cardiomyopathy. At least one publication reports experimental evidence evaluating an impact on protein function, however, does not allow convincing conclusions about the variant effect (Ramella_2012, Toledo_2013, Gorshkova_2023). The following publications have been ascertained in the context of this evaluation (PMID: 32041611, 36525992, 23209431, 22952757, 26255038, 7670941, 23456478, 35130036). ClinVar contains an entry for this variant (Variation ID: 636899). Based on the evidence outlined above, the variant was classified as uncertain significance.

PreventionGenetics, part of Exact Sciences
Classification: Uncertain significance for APOA1-related condition. Last evaluated: 2025-03-25. Review status: criteria provided, single submitter. Criteria: ACMG Guidelines, 2015. Collection method: clinical testing. Allele origin: germline.
Comment: The APOA1 c.391_393delAAG variant is predicted to result in an in-frame deletion (p.Lys131del). This variant has been reported in the heterozygous state in individuals with low HDL cholesterol levels (see, for example, Tilly-Kiesi et al. 1995. PubMed ID: 7670941; Haase et al. 2012. PubMed ID: 23209431; Geller et al. 2018. PubMed ID: 30333156). In vitro experimental studies suggest this variant impacts protein function (Ramella et al. 2012. PubMed ID: 22952757; Toledo et al. 2013. PubMed ID: 23456478). This variant is reported in 0.040% of alleles in individuals of European (non-Finnish) descent in gnomAD. Although we suspect that this variant may be pathogenic, at this time, the clinical significance of this variant is uncertain due to the absence of conclusive functional and genetic evidence.

Blueprint Genetics
Classification: Pathogenic for APOA1-related disorders. Last evaluated: 2024-07-15. Review status: criteria provided, single submitter. Criteria: ACMG Guidelines, 2015. Collection method: clinical testing. Allele origin: germline. Affected: yes. Observed: 5 variant alleles.

Mayo Clinic Laboratories, Mayo Clinic
Classification: Uncertain significance. Last evaluated: 2024-03-15. Review status: criteria provided, single submitter. Criteria: ACMG Guidelines, 2015. Collection method: clinical testing. Allele origin: germline. Observed: 1 variant allele.
Comment: PM4

Fulgent Genetics
Classification: Uncertain significance for Hypoalphalipoproteinemia, primary, 2; Hypoalphalipoproteinemia, primary, 2, intermediate; Familial amyloid polyneuropathy, Iowa type. Last evaluated: 2024-02-26. Review status: criteria provided, single submitter. Criteria: ACMG Guidelines, 2015. Collection method: clinical testing. Allele origin: germline.

Ambry Genetics
Classification: Likely benign for Cardiovascular phenotype. Last evaluated: 2021-12-30. Review status: criteria provided, single submitter. Criteria: Ambry Variant Classification Scheme 2023. Collection method: clinical testing. Allele origin: germline.

Cavalleri Lab, Royal College of Surgeons in Ireland
Classification: Uncertain significance for Chronic kidney disease. Last evaluated: 2020-05-28. Review status: criteria provided, single submitter. Criteria: ACMG Guidelines, 2015. Collection method: research. Allele origin: unknown. Inheritance: Autosomal dominant inheritance. Affected: yes.
Comment: PM4, BS1

Institute of Human Genetics, University of Leipzig Medical Center
Classification: Uncertain significance for Familial visceral amyloidosis, Ostertag type. Last evaluated: 2019-01-01. Review status: criteria provided, single submitter. Criteria: ACMG Guidelines, 2015. Collection method: clinical testing. Allele origin: unknown. Affected: no.

Literature cited by the submitters: PubMed 7670941 (cited by 4 submitters); PubMed 9464251 (cited by 3 submitters); PubMed 23209431 (cited by 3 submitters); PubMed 24273187 (cited by 3 submitters); PubMed 26255038 (cited by 4 submitters); PubMed 29150341 (cited by 3 submitters); PubMed 30333156 (cited by 3 submitters); PubMed 6432779 (cited by 3 submitters); PubMed 22952757 (cited by 4 submitters); PubMed 23456478 (cited by 4 submitters); PubMed 32041611 (cited by Women's Health and Genetics/Laboratory Corporation of America, LabCorp and Mayo Clinic Laboratories, Mayo Clinic); PubMed 35130036 (cited by Women's Health and Genetics/Laboratory Corporation of America, LabCorp and Mayo Clinic Laboratories, Mayo Clinic); PubMed 36525992 (cited by Women's Health and Genetics/Laboratory Corporation of America, LabCorp); PubMed 25127959 (cited by Mayo Clinic Laboratories, Mayo Clinic and Ambry Genetics); PubMed 30476936 (cited by Mayo Clinic Laboratories, Mayo Clinic); PubMed 32723786 (cited by Mayo Clinic Laboratories, Mayo Clinic); PubMed 32946930 (cited by Mayo Clinic Laboratories, Mayo Clinic); PubMed 34426522 (cited by Mayo Clinic Laboratories, Mayo Clinic).